The following is an entry in ClinVar:

ClinVar aggregate classification (germline): Uncertain significance (1 of 4 stars; one submission).

Submission:

Ambry Genetics
Classification: Uncertain significance. Last evaluated: 2023-04-28. Review status: criteria provided, single submitter. Criteria: Ambry Variant Classification Scheme 2023. Collection method: clinical testing. Allele origin: germline.
Comment: The p.C1951R variant (also known as c.5851T>C), located in coding exon 18 of the POLQ gene, results from a T to C substitution at nucleotide position 5851. The cysteine at codon 1951 is replaced by arginine, an amino acid with highly dissimilar properties. This amino acid position is conserved. In addition, this alteration is predicted to be tolerated by in silico analysis. Since supporting evidence is limited at this time, the clinical significance of this alteration remains unclear.

NM_199420.4(POLQ):c.5851T>C (p.Cys1951Arg)

Gene: POLQ (DNA polymerase theta; minus strand). Cytogenetic location: 3q13.33.
Variant type: single nucleotide variant.
Coding change: c.5851T>C on transcript NM_199420.4 (MANE Select); coding-DNA position 5851, T replaced by C.
Protein change: p.Cys1951Arg; replaces cysteine 1951 with arginine.
Molecular consequence: missense variant.
Genome position (GRCh38, 1-based): chr3:121,483,505, A>G on the plus strand (T>C on the coding strand, the complement: POLQ is on the minus strand). VCF-style: chr3-121483505-A-G. GRCh37 (hg19) VCF-style: chr3-121202352-A-G.
Other names: short protein forms C1951R.
Identifiers: ClinVar variation 2560544 (VCV002560544.2), dbSNP rs2546781759, ClinGen allele CA354088653.
Genomic context (GRCh38, chr3:121,483,505, plus strand): 5'-AGCTCTGGATGAAGTCATAGATGACAACAGAACATTCTTTATCAGATTCCTTTCGCAAGC[A>G]AGATTGAAGGTACCACATCCTGTCTTTCAAAGTCAGGCTTGGATCTAAAGAAGGTGGAAC-3'
Protein context (NP_955452.3, residues 1941-1961): LKDRMWYLQS[Cys1951Arg]LRKESDKECS